The following is an entry in ClinVar:

NM_003072.5(SMARCA4):c.2485G>C (p.Val829Leu)

Gene: SMARCA4 (SWI/SNF related BAF chromatin remodeling complex subunit ATPase 4; plus strand). Cytogenetic location: 19p13.2.
Variant type: single nucleotide variant.
Coding change: c.2485G>C on transcript NM_003072.5 (MANE Select); coding-DNA position 2485, G replaced by C.
Protein change: p.Val829Leu; replaces valine 829 with leucine.
Molecular consequence: missense variant. On other transcripts: non-coding transcript variant (1).
Genome position (GRCh38, 1-based): chr19:11,019,003, G>C. VCF-style: chr19-11019003-G-C. GRCh37 (hg19) VCF-style: chr19-11129679-G-C.
Other names: c.2485G>C, p.Val829Leu (NM_001128844.3, NM_001128845.2, NM_001128846.2 and 6 more transcripts); short protein forms V829L.
Identifiers: ClinVar variation 3320763 (VCV003320763.2).

ClinVar aggregate classification (germline): Uncertain significance. Review status: criteria provided, multiple submitters, no conflicts (2 of 4 stars). 2 submissions from 2 submitters: Uncertain significance (2). Last evaluated 2025-08-06.

Conditions:
Rhabdoid tumor predisposition syndrome 2 (RTPS2). Identifiers: Orphanet 231108, Orphanet 69077, MedGen C2750074, MONDO:0013224, OMIM 613325.
Hereditary cancer-predisposing syndrome. Also called: Neoplastic Syndromes, Hereditary; Tumor predisposition; Hereditary neoplastic syndrome; Hereditary Cancer Syndrome. Identifiers: Orphanet 140162, MedGen C0027672, MeSH D009386, MONDO:0015356.

gnomAD v4.1: 2 of 1,613,934 alleles (0.00012%); highest among the groups gnomAD compares: Non-Finnish European, 0.00017%; no homozygotes.

Submissions (2):

Labcorp Genetics (formerly Invitae), Labcorp
Classification: Uncertain significance for Rhabdoid tumor predisposition syndrome 2. Last evaluated: 2025-08-06. Review status: criteria provided, single submitter. Criteria: Invitae Variant Classification Sherloc (09022015). Collection method: clinical testing. Allele origin: germline.
Comment: This sequence change replaces valine, which is neutral and non-polar, with leucine, which is neutral and non-polar, at codon 829 of the SMARCA4 protein (p.Val829Leu). This variant is not present in population databases (gnomAD no frequency). This variant has not been reported in the literature in individuals affected with SMARCA4-related conditions. ClinVar contains an entry for this variant (Variation ID: 3320763). Invitae Evidence Modeling of protein sequence and biophysical properties (such as structural, functional, and spatial information, amino acid conservation, physicochemical variation, residue mobility, and thermodynamic stability) indicates that this missense variant is expected to disrupt SMARCA4 protein function with a positive predictive value of 95%. In summary, the available evidence is currently insufficient to determine the role of this variant in disease. Therefore, it has been classified as a Variant of Uncertain Significance.

Ambry Genetics
Classification: Uncertain significance for Hereditary cancer-predisposing syndrome. Last evaluated: 2024-06-03. Review status: criteria provided, single submitter. Criteria: Ambry Variant Classification Scheme 2023. Collection method: clinical testing. Allele origin: germline.
Comment: The p.V829L variant (also known as c.2485G>C), located in coding exon 16 of the SMARCA4 gene, results from a G to C substitution at nucleotide position 2485. The valine at codon 829 is replaced by leucine, an amino acid with highly similar properties. This amino acid position is conserved. In addition, this alteration is predicted to be deleterious by in silico analysis. Based on the available evidence, the clinical significance of this variant remains unclear.